The following is an entry in ClinVar:

NM_002240.5(KCNJ6):c.1142T>C (p.Leu381Pro)

Genes: KCNJ6 (potassium inwardly rectifying channel subfamily J member 6; minus strand), KCNJ6-AS1 (KCNJ6 antisense RNA 1; plus strand). Cytogenetic location: 21q22.13.
Variant type: single nucleotide variant.
Coding change: c.1142T>C on transcript NM_002240.5 (MANE Select); coding-DNA position 1142, T replaced by C.
Protein change: p.Leu381Pro; replaces leucine 381 with proline.
Molecular consequence: missense variant.
Genome position (GRCh38, 1-based): chr21:37,625,289, A>G on the plus strand (T>C on the coding strand, the complement: KCNJ6 is on the minus strand). VCF-style: chr21-37625289-A-G. GRCh37 (hg19) VCF-style: chr21-38997591-A-G.
Other names: short protein forms L381P.
Identifiers: ClinVar variation 1512840 (VCV001512840.8), dbSNP rs375800688, ClinGen allele CA10024242.

ClinVar aggregate classification (germline): Uncertain significance. Review status: criteria provided, multiple submitters, no conflicts (2 of 4 stars). 2 submissions from 2 submitters: Uncertain significance (2). Last evaluated 2025-07-04.

Allele frequency attached by ClinVar (database versions not stated): gnomAD 0.00004 and 0.00005; TOPMed 0.00008; gnomAD exomes 0.00011 and 0.00014; ExAC 0.00012; ESP Exome Variant Server 0.00017.

Submissions (2):

Labcorp Genetics (formerly Invitae), Labcorp
Classification: Uncertain significance. Last evaluated: 2025-07-04. Review status: criteria provided, single submitter. Criteria: Invitae Variant Classification Sherloc (09022015). Collection method: clinical testing. Allele origin: germline.
Comment: This sequence change replaces leucine, which is neutral and non-polar, with proline, which is neutral and non-polar, at codon 381 of the KCNJ6 protein (p.Leu381Pro). The frequency data for this variant in the population databases is considered unreliable, as metrics indicate poor data quality at this position in the gnomAD database. This variant has not been reported in the literature in individuals affected with KCNJ6-related conditions. ClinVar contains an entry for this variant (Variation ID: 1512840). An algorithm developed to predict the effect of missense changes on protein structure and function (PolyPhen-2) suggests that this variant is likely to be disruptive. In summary, the available evidence is currently insufficient to determine the role of this variant in disease. Therefore, it has been classified as a Variant of Uncertain Significance.

Women's Health and Genetics/Laboratory Corporation of America, LabCorp
Classification: Uncertain significance. Last evaluated: 2024-02-19. Review status: criteria provided, single submitter. Criteria: LabCorp Variant Classification Summary - May 2015. Collection method: clinical testing. Allele origin: germline.
Comment: Variant summary: KCNJ6 c.1142T>C (p.Leu381Pro) results in a non-conservative amino acid change in the encoded protein sequence. Four of five in-silico tools predict a damaging effect of the variant on protein function. The variant allele was found at a frequency of 0.00014 in 248948 control chromosomes. To our knowledge, no occurrence of c.1142T>C in individuals affected with Keppen-Lubinsky Syndrome and no experimental evidence demonstrating its impact on protein function have been reported. ClinVar contains an entry for this variant (Variation ID: 1512840). Based on the evidence outlined above, the variant was classified as uncertain significance.